The following is an entry in ClinVar:

ClinVar aggregate classification (germline): Uncertain significance (0 of 4 stars; one submission).

Conditions:
GALNT3-related disorder. Also called: GALNT3-related condition.

gnomAD v4.1: 18 of 1,613,868 alleles (0.0011%); highest among the groups gnomAD compares: East Asian, 0.0045%; no homozygotes.

Submission:

PreventionGenetics, part of Exact Sciences
Classification: Uncertain significance for GALNT3-related condition. Last evaluated: 2024-08-16. Review status: no assertion criteria provided. Collection method: clinical testing. Allele origin: germline.
Comment: The GALNT3 c.1022C>T variant is predicted to result in the amino acid substitution p.Ser341Leu. To our knowledge, this variant has not been reported in the literature. This variant is reported in 0.0054% of alleles in individuals of East Asian descent in gnomAD. At this time, the clinical significance of this variant is uncertain due to the absence of conclusive functional and genetic evidence.

NM_004482.4(GALNT3):c.1022C>T (p.Ser341Leu)

Gene: GALNT3 (polypeptide N-acetylgalactosaminyltransferase 3; minus strand). Cytogenetic location: 2q24.3.
Variant type: single nucleotide variant.
Coding change: c.1022C>T on transcript NM_004482.4 (MANE Select); coding-DNA position 1022, C replaced by T.
Protein change: p.Ser341Leu; replaces serine 341 with leucine.
Molecular consequence: missense variant.
Genome position (GRCh38, 1-based): chr2:165,759,387, G>A on the plus strand (C>T on the coding strand, the complement: GALNT3 is on the minus strand). VCF-style: chr2-165759387-G-A. GRCh37 (hg19) VCF-style: chr2-166615897-G-A.
Other names: short protein forms S341L.
Identifiers: ClinVar variation 3358688 (VCV003358688.1).